The following is an entry in ClinVar:

ClinVar aggregate classification (germline): Likely pathogenic (1 of 4 stars; one submission).

gnomAD v4.1: 1 of 1,613,650 alleles (0.000062%); highest among the groups gnomAD compares: Non-Finnish European, 0.000085%; no homozygotes.

Submission:

GeneDx
Classification: Likely pathogenic. Last evaluated: 2025-03-13. Review status: criteria provided, single submitter. Criteria: GeneDx Variant Classification Process June 2021. Collection method: clinical testing. Allele origin: germline. Affected: yes.
Comment: Not observed at significant frequency in large population cohorts (gnomAD); Missense variants in this gene are a common cause of disease and they are underrepresented in the general population; In silico analysis supports that this missense variant has a deleterious effect on protein structure/function; Has not been previously published as pathogenic or benign to our knowledge; This variant is associated with the following publications: (PMID: 15520807, 17603482, 17603483, 19020799, 24957944, 9689060, 29493581)

NM_002880.4(RAF1):c.1832A>T (p.His611Leu)

Gene: RAF1 (Raf-1 proto-oncogene, serine/threonine kinase; minus strand). Cytogenetic location: 3p25.2.
Variant type: single nucleotide variant.
Coding change: c.1832A>T on transcript NM_002880.4 (MANE Select); coding-DNA position 1832, A replaced by T.
Protein change: p.His611Leu; replaces histidine 611 with leucine.
Molecular consequence: missense variant. On other transcripts: non-coding transcript variant (3).
Genome position (GRCh38, 1-based): chr3:12,584,629, T>A on the plus strand (A>T on the coding strand, the complement: RAF1 is on the minus strand). VCF-style: chr3-12584629-T-A. GRCh37 (hg19) VCF-style: chr3-12626128-T-A.
Other names: c.1589A>T, p.His530Leu (NM_001354692.3, NM_001354691.3); c.1733A>T, p.His578Leu (NM_001354693.3); c.1649A>T, p.His550Leu (NM_001354694.3); c.1490A>T, p.His497Leu (NM_001354695.3); c.1892A>T, p.His631Leu (NM_001354689.3); c.1832A>T, p.His611Leu (NM_001354690.3); short protein forms H497L, H530L, H550L, H578L, H611L, H631L.
Identifiers: ClinVar variation 4082712 (VCV004082712.1).